The following is an entry in ClinVar:

ClinVar aggregate classification (germline): Uncertain significance (1 of 4 stars; one submission).

Allele frequency attached by ClinVar (database versions not stated): ESP Exome Variant Server 0.00008.
gnomAD v4.1: 35 of 1,608,818 alleles (0.0022%); highest among the groups gnomAD compares: Non-Finnish European, 0.0027%; no homozygotes.

Submission:

Labcorp Genetics (formerly Invitae), Labcorp
Classification: Uncertain significance. Last evaluated: 2021-09-24. Review status: criteria provided, single submitter. Criteria: Invitae Variant Classification Sherloc (09022015). Collection method: clinical testing. Allele origin: germline.
Comment: This sequence change replaces alanine with threonine at codon 242 of the ADAMTS17 protein (p.Ala242Thr). The alanine residue is moderately conserved and there is a small physicochemical difference between alanine and threonine. This variant is present in population databases (rs376420999, ExAC 0.01%). This variant has not been reported in the literature in individuals affected with ADAMTS17-related conditions. Algorithms developed to predict the effect of missense changes on protein structure and function are either unavailable or do not agree on the potential impact of this missense change (SIFT: "Not Available"; PolyPhen-2: "Benign"; Align-GVGD: "Not Available"). In summary, the available evidence is currently insufficient to determine the role of this variant in disease. Therefore, it has been classified as a Variant of Uncertain Significance.

NM_139057.4(ADAMTS17):c.724G>A (p.Ala242Thr)

Gene: ADAMTS17 (ADAM metallopeptidase with thrombospondin type 1 motif 17; minus strand). Cytogenetic location: 15q26.3.
Variant type: single nucleotide variant.
Coding change: c.724G>A on transcript NM_139057.4 (MANE Select); coding-DNA position 724, G replaced by A.
Protein change: p.Ala242Thr; replaces alanine 242 with threonine.
Molecular consequence: missense variant.
Genome position (GRCh38, 1-based): chr15:100,281,294, C>T on the plus strand (G>A on the coding strand, the complement: ADAMTS17 is on the minus strand). VCF-style: chr15-100281294-C-T. GRCh37 (hg19) VCF-style: chr15-100821499-C-T.
Other names: short protein forms A242T.
Identifiers: ClinVar variation 1510733 (VCV001510733.5), dbSNP rs376420999, ClinGen allele CA7758597.